The following is an entry in ClinVar:

ClinVar aggregate classification (germline): Uncertain significance. Review status: criteria provided, multiple submitters, no conflicts (2 of 4 stars). 6 submissions from 6 submitters: Uncertain significance (6). Last evaluated 2025-11-25.

Conditions:
Hereditary cancer-predisposing syndrome. Also called: Neoplastic Syndromes, Hereditary; Tumor predisposition; Hereditary Cancer Syndrome; Hereditary neoplastic syndrome. Identifiers: Orphanet 140162, MedGen C0027672, MeSH D009386, MONDO:0015356.
Familial adenomatous polyposis 1 (FAP1). Also called: FAMILIAL ADENOMATOUS POLYPOSIS 1, ATTENUATED; POLYPOSIS, ADENOMATOUS INTESTINAL. Identifiers: MedGen C2713442, MONDO:0021056, OMIM 175100. Disease mechanism: loss of function.

Allele frequency attached by ClinVar (database versions not stated): gnomAD exomes below 0.00001; ExAC 0.00001; gnomAD 0.00003 and 0.00004.
gnomAD v4.1: 5 of 1,614,090 alleles (0.00031%); highest among the groups gnomAD compares: African/African-American, 0.0067%; no homozygotes.

Submissions (6):

Labcorp Genetics (formerly Invitae), Labcorp
Classification: Uncertain significance for Familial adenomatous polyposis 1. Last evaluated: 2025-11-25. Review status: criteria provided, single submitter. Criteria: Invitae Variant Classification Sherloc (09022015). Collection method: clinical testing. Allele origin: germline.
Comment: This sequence change replaces isoleucine, which is neutral and non-polar, with phenylalanine, which is neutral and non-polar, at codon 1572 of the APC protein (p.Ile1572Phe). This variant is present in population databases (rs750107668, gnomAD 0.007%). This variant has not been reported in the literature in individuals affected with APC-related conditions. ClinVar contains an entry for this variant (Variation ID: 482393). Invitae Evidence Modeling of protein sequence and biophysical properties (such as structural, functional, and spatial information, amino acid conservation, physicochemical variation, residue mobility, and thermodynamic stability) indicates that this missense variant is not expected to disrupt APC protein function with a negative predictive value of 95%. In summary, the available evidence is currently insufficient to determine the role of this variant in disease. Therefore, it has been classified as a Variant of Uncertain Significance.

Ambry Genetics
Classification: Uncertain significance for Hereditary cancer-predisposing syndrome. Last evaluated: 2025-02-01. Review status: criteria provided, single submitter. Criteria: Ambry Variant Classification Scheme 2023. Collection method: clinical testing. Allele origin: germline.
Comment: The p.I1572F variant (also known as c.4714A>T), located in coding exon 15 of the APC gene, results from an A to T substitution at nucleotide position 4714. The isoleucine at codon 1572 is replaced by phenylalanine, an amino acid with highly similar properties. This amino acid position is highly conserved in available vertebrate species. In addition, in silico predictors for this gene do not accurately predict pathogenicity. Missense alterations in APC are not a common cause of disease (Spier I et al. Genet Med. 2024 Feb;26(2):100992). Since supporting evidence is limited at this time, the clinical significance of this alteration remains unclear.

GeneDx
Classification: Uncertain significance. Last evaluated: 2024-02-21. Review status: criteria provided, single submitter. Criteria: GeneDx Variant Classification Process June 2021. Collection method: clinical testing. Allele origin: germline. Affected: yes.
Comment: Not observed at significant frequency in large population cohorts (gnomAD); In silico analysis supports that this missense variant does not alter protein structure/function; Has not been previously published as pathogenic or benign to our knowledge; This variant is associated with the following publications: (PMID: 18199528)

Color Diagnostics, LLC DBA Color Health
Classification: Uncertain significance for Hereditary cancer-predisposing syndrome. Last evaluated: 2023-12-05. Review status: criteria provided, single submitter. Criteria: ACMG Guidelines, 2015. Collection method: clinical testing. Allele origin: germline.
Comment: This missense variant replaces isoleucine with phenylalanine at codon 1572 of the APC protein. Computational prediction is inconclusive regarding the impact of this variant on protein structure and function (internally defined REVEL score threshold 0.5 < inconclusive < 0.7, PMID: 27666373). To our knowledge, functional studies have not been reported for this variant. This variant has not been reported in individuals affected with APC-related disorders in the literature. This variant has been identified in 1/250770 chromosomes in the general population by the Genome Aggregation Database (gnomAD). The available evidence is insufficient to determine the role of this variant in disease conclusively. Therefore, this variant is classified as a Variant of Uncertain Significance.

St. Jude Molecular Pathology, St. Jude Children's Research Hospital
Classification: Uncertain significance for Familial adenomatous polyposis 1. Last evaluated: 2021-08-03. Review status: criteria provided, single submitter. Criteria: St. Jude Assertion Criteria 2020. Collection method: clinical testing. Allele origin: germline.

Women's Health and Genetics/Laboratory Corporation of America, LabCorp
Classification: Uncertain significance. Last evaluated: 2019-06-17. Review status: criteria provided, single submitter. Criteria: LabCorp Variant Classification Summary - May 2015. Collection method: clinical testing. Allele origin: germline.
Comment: Variant summary: APC c.4714A>T (p.Ile1572Phe) results in a non-conservative amino acid change in the encoded protein sequence. Five of five in-silico tools predict a damaging effect of the variant on protein function. The variant allele was found at a frequency of 4e-06 in 250770 control chromosomes. The available data on variant occurrences in the general population are insufficient to allow any conclusion about variant significance. To our knowledge, no occurrence of c.4714A>T in individuals affected with Familial Adenomatous Polyposis and no experimental evidence demonstrating its impact on protein function have been reported. Three clinical diagnostic laboratories have submitted clinical-significance assessments for this variant to ClinVar after 2014 without evidence for independent evaluation. All laboratories classified the variant as uncertain significance. Based on the evidence outlined above, the variant was classified as uncertain significance.

NM_000038.6(APC):c.4714A>T (p.Ile1572Phe)

Gene: APC (APC regulator of Wnt signaling pathway; plus strand). Cytogenetic location: 5q22.2.
Variant type: single nucleotide variant.
Coding change: c.4714A>T on transcript NM_000038.6 (MANE Select); coding-DNA position 4714, A replaced by T.
Protein change: p.Ile1572Phe; replaces isoleucine 1572 with phenylalanine.
Molecular consequence: missense variant.
Genome position (GRCh38, 1-based): chr5:112,840,308, A>T. VCF-style: chr5-112840308-A-T. GRCh37 (hg19) VCF-style: chr5-112176005-A-T.
Other names: c.4714A>T, p.Ile1572Phe (NM_001127510.3, NM_001354895.2); c.4660A>T, p.Ile1554Phe (NM_001127511.3); c.4768A>T, p.Ile1590Phe (NM_001354896.2); c.4744A>T, p.Ile1582Phe (NM_001354897.2); c.4639A>T, p.Ile1547Phe (NM_001354898.2); c.4630A>T, p.Ile1544Phe (NM_001354899.2); c.4591A>T, p.Ile1531Phe (NM_001354900.2); c.4537A>T, p.Ile1513Phe (NM_001354901.2); and 5 more; short protein forms I1554F, I1572F, I1513F, I1531F, I1547F, I1412F, I1446F, I1481F.
Identifiers: ClinVar variation 482393 (VCV000482393.23), dbSNP rs750107668, ClinGen allele CA039634.